The following is an entry in ClinVar:

ClinVar aggregate classification (germline): Conflicting classifications of pathogenicity. Review status: criteria provided, conflicting classifications (1 of 4 stars). 2 submissions from 2 submitters: Uncertain significance (1); Likely benign (1). Last evaluated 2026-06-01.

Allele frequency attached by ClinVar (database versions not stated): gnomAD 0.00002; TOPMed 0.00002; ExAC 0.00004; gnomAD exomes 0.00010.
gnomAD v4.1: 146 of 1,614,044 alleles (0.009%); highest among the groups gnomAD compares: Middle Eastern, 0.1%; no homozygotes.

Submissions (3):

CeGaT Center for Human Genetics Tuebingen
Classification: Likely benign. Last evaluated: 2026-06-01. Review status: criteria provided, single submitter. Criteria: CeGaT Center For Human Genetics Tuebingen Variant Classification Criteria Version 2. Collection method: clinical testing. Allele origin: germline. Affected: yes. Observed: 1 variant allele.
Comment: ERBB4: BS1

Labcorp Genetics (formerly Invitae), Labcorp
Classification: Uncertain significance. Last evaluated: 2025-07-23. Review status: criteria provided, single submitter. Criteria: Invitae Variant Classification Sherloc (09022015). Collection method: clinical testing. Allele origin: germline.
Comment: This sequence change replaces glutamic acid, which is acidic and polar, with aspartic acid, which is acidic and polar, at codon 1287 of the ERBB4 protein (p.Glu1287Asp). This variant is present in population databases (rs749222561, gnomAD 0.01%). This variant has not been reported in the literature in individuals affected with ERBB4-related conditions. ClinVar contains an entry for this variant (Variation ID: 1980190). An algorithm developed to predict the effect of missense changes on protein structure and function (PolyPhen-2) suggests that this variant is likely to be disruptive. In summary, the available evidence is currently insufficient to determine the role of this variant in disease. Therefore, it has been classified as a Variant of Uncertain Significance.

Dr. Peter K. Rogan Lab, Western University
No classification provided (evidence only). Condition: Ovarian serous cystadenocarcinoma. Review status: no classification provided. Collection method: in vitro. Allele origin: not applicable. Functional consequence: retained intron. Not counted in ClinVar's aggregate classification.

NM_005235.3(ERBB4):c.3861G>T (p.Glu1287Asp)

Gene: ERBB4 (erb-b2 receptor tyrosine kinase 4; minus strand). Cytogenetic location: 2q34.
Variant type: single nucleotide variant.
Coding change: c.3861G>T on transcript NM_005235.3 (MANE Select); coding-DNA position 3861, G replaced by T.
Protein change: p.Glu1287Asp; replaces glutamic acid 1287 with aspartic acid.
Molecular consequence: missense variant.
Genome position (GRCh38, 1-based): chr2:211,383,681, C>A on the plus strand (G>T on the coding strand, the complement: ERBB4 is on the minus strand). VCF-style: chr2-211383681-C-A. GRCh37 (hg19) VCF-style: chr2-212248406-C-A.
Other names: c.3813G>T, p.Glu1271Asp (NM_001042599.2); short protein forms E1271D, E1287D.
Identifiers: ClinVar variation 1980190 (VCV001980190.7), dbSNP rs749222561, ClinGen allele CA2087349.
Genomic context (GRCh38, chr2:211,383,681, plus strand): 5'-CACAGTATTCCGGTGTCTGTAAGGTGGAGGCGGCAGCACAGTGCCTGGCTTCAGGGAGAA[C>A]TCAGAGAGGTATTCAGGATTCTCTGCCACAATAGGCCGGATCCGCCCATTCTGTTTATAA-3'
Protein context (NP_005226.1, residues 1277-1297): IVAENPEYLS[Glu1287Asp]FSLKPGTVLP